The following is an entry in ClinVar:

ClinVar aggregate classification (germline): Pathogenic/Likely pathogenic. Review status: criteria provided, multiple submitters, no conflicts (2 of 4 stars). 3 submissions from 3 submitters: Pathogenic (1); Likely pathogenic (1). 1 of the submissions does not count toward it. Last evaluated 2026-03-05.

Conditions:
Elsahy-Waters syndrome. Also called: Hypospadias, hypertelorism, upper lid coloboma, and mixed-type hearing loss; BSG SYNDROME. Identifiers: Orphanet 1299, Orphanet 157788, MedGen C0809936, MONDO:0008885, OMIM 211380.
Teebi hypertelorism syndrome 2 (TBHS2). Identifiers: MedGen C5676911, MONDO:0030674, OMIM 619736.

Allele frequency attached by ClinVar (database versions not stated): gnomAD exomes below 0.00001.
gnomAD v4.1: 1 of 1,613,748 alleles (0.000062%); highest among the groups gnomAD compares: Non-Finnish European, 0.000085%; no homozygotes.

Submissions (3):

GeneDx
Classification: Likely pathogenic. Last evaluated: 2026-03-05. Review status: criteria provided, single submitter. Criteria: GeneDx Variant Classification Process June 2021. Collection method: clinical testing. Allele origin: germline.
Comment: Not observed at significant frequency in large population cohorts (gnomAD); In silico analysis supports that this missense variant has a deleterious effect on protein structure/function; This variant is associated with the following publications: (PMID: 33811546)

Victorian Clinical Genetics Services, Murdoch Childrens Research Institute
Classification: Pathogenic for Elsahy-Waters syndrome. Last evaluated: 2023-12-21. Review status: criteria provided, single submitter. Criteria: ACMG Guidelines, 2015. Collection method: clinical testing. Allele origin: germline. Inheritance: Autosomal dominant inheritance.
Comment: Based on the classification scheme VCGS_Germline_v1.3.4, this variant is classified as Pathogenic. Following criteria are met: 0103 - Dominant negative and loss of function are known mechanisms of disease in this gene and are associated with Teebi hypertelorism syndrome (THS; MIM#619736) and Elsahy-Waters syndrome (EWS; MIM#211380), respectively. (I) 0108 - This gene is associated with both recessive and dominant disease. EWS is associated with biallelic inheritance (OMIM), whereas THS is caused by monoallelic variants (PMID: 33811546). (I) 0115 - Variants in this gene are known to have variable expressivity. THS is a less severe and more variable phenotype than EWS, and only some individuals have presented with developmental delay and heart defects (PMID: 33811546). (I) 0200 - Variant is predicted to result in a missense amino acid change from aspartic acid to asparagine. (I) 0251 - This variant is heterozygous. (I) 0301 - Variant is absent from gnomAD (both v2 and v3). (SP) 0502 - Missense variant with conflicting in silico predictions and high conservation. (I) 0600 - Variant is located in the annotated extracellular cadherin repeat 2 domain (PMID: 33811546). (I) 0704 - Another missense variant comparable to the one identified in this case has limited previous evidence for pathogenicity. p.(Asp260Glu) has been detected de novo in an individual with THS (PMID: 33811546). (SP) 0803 - This variant has limited previous evidence of pathogenicity in an unrelated individual. This variant has been observed in one family with THS (PMID: 33811546). (SP) 0902 - This variant has moderate evidence for segregation with disease. It has been detected in four individuals from one family with THS, and there is an additional obligate carrier (PMID: 33811546). (SP) 1002 - This variant has moderate functional evidence supporting abnormal protein function. Studies demonstrated significantly weaker binding to hCadherin-11-Fc compared to wild type (PMID: 33811546). (SP) 1205 - This variant has been shown to be maternally inherited (by research analysis PMID: 33811546). (I) Legend: (SP) - Supporting pathogenic, (I) - Information, (SB) - Supporting benign

OMIM
Classification: Pathogenic for TEEBI HYPERTELORISM SYNDROME 2. Last evaluated: 2022-02-01. Review status: no assertion criteria provided. Collection method: literature only. Allele origin: germline. Not counted in ClinVar's aggregate classification.

Literature cited by the submitters: PubMed 33811546 (cited by Victorian Clinical Genetics Services, Murdoch Childrens Research Institute and OMIM).

NM_001797.4(CDH11):c.778G>A (p.Asp260Asn)

Gene: CDH11 (cadherin 11; minus strand). Cytogenetic location: 16q21.
Variant type: single nucleotide variant.
Coding change: c.778G>A on transcript NM_001797.4 (MANE Select); coding-DNA position 778, G replaced by A.
Protein change: p.Asp260Asn; replaces aspartic acid 260 with asparagine.
Molecular consequence: missense variant.
Genome position (GRCh38, 1-based): chr16:64,991,801, C>T on the plus strand (G>A on the coding strand, the complement: CDH11 is on the minus strand). VCF-style: chr16-64991801-C-T. GRCh37 (hg19) VCF-style: chr16-65025704-C-T.
Other names: c.778G>A, p.Asp260Asn (NM_001308392.2); c.400G>A, p.Asp134Asn (NM_001330576.2); short protein forms D260N, D134N.
Identifiers: ClinVar variation 1339269 (VCV001339269.4), dbSNP rs2142492118, ClinGen allele CA396522587.